The following is an entry in ClinVar:

NM_012414.4(RAB3GAP2):c.3280A>C (p.Thr1094Pro)

Gene: RAB3GAP2 (RAB3 GTPase activating non-catalytic protein subunit 2; minus strand). Cytogenetic location: 1q41.
Variant type: single nucleotide variant.
Coding change: c.3280A>C on transcript NM_012414.4 (MANE Select); coding-DNA position 3280, A replaced by C.
Protein change: p.Thr1094Pro; replaces threonine 1094 with proline.
Molecular consequence: missense variant.
Genome position (GRCh38, 1-based): chr1:220,157,858, T>G on the plus strand (A>C on the coding strand, the complement: RAB3GAP2 is on the minus strand). VCF-style: chr1-220157858-T-G. GRCh37 (hg19) VCF-style: chr1-220331200-T-G.
Other names: short protein forms T1094P.
Identifiers: ClinVar variation 2094043 (VCV002094043.1), dbSNP rs1657887686, ClinGen allele CA344630793.
Genomic context (GRCh38, chr1:220,157,858, plus strand): 5'-TTACCTCCATTAAGATCTGAAGAAGATCCAAACAGGAGCCGAGGAAAGATGTCATTGCTG[T>G]GTCACTCATTCCCACATCCTGTTTTTTAAAAAGGAACGTAATTAGGCCCTGCAGGAAAAC-3'
Protein context (NP_036546.2, residues 1084-1104): LCRRDVGMSD[Thr1094Pro]AMTSFLGSCL

ClinVar aggregate classification (germline): Uncertain significance (1 of 4 stars; one submission).

Conditions:
Warburg micro syndrome 2 (WARBM2). Also called: MICRO SYNDROME 2. Identifiers: Orphanet 2510, MedGen C3280214, MONDO:0013641, OMIM 614225.
Martsolf syndrome (MARTS). Also called: Congenital cataract with intellectual disability and hypogonadotropic hypogonadism syndrome. Identifiers: Orphanet 1387, MedGen C0796037, MONDO:0023910.

Allele frequency attached by ClinVar (database versions not stated): gnomAD exomes below 0.00001.
gnomAD v4.1: 2 of 1,613,646 alleles (0.00012%); highest among the groups gnomAD compares: Non-Finnish European, 0.00017%; no homozygotes.

Submission:

Labcorp Genetics (formerly Invitae), Labcorp
Classification: Uncertain significance for Martsolf syndrome; Warburg micro syndrome 2. Last evaluated: 2022-09-01. Review status: criteria provided, single submitter. Criteria: Invitae Variant Classification Sherloc (09022015). Collection method: clinical testing. Allele origin: germline.
Comment: This sequence change replaces threonine, which is neutral and polar, with proline, which is neutral and non-polar, at codon 1094 of the RAB3GAP2 protein (p.Thr1094Pro). This variant is not present in population databases (gnomAD no frequency). This variant has not been reported in the literature in individuals affected with RAB3GAP2-related conditions. Algorithms developed to predict the effect of missense changes on protein structure and function are either unavailable or do not agree on the potential impact of this missense change (SIFT: "Tolerated"; PolyPhen-2: "Possibly Damaging"; Align-GVGD: "Class C0"). In summary, the available evidence is currently insufficient to determine the role of this variant in disease. Therefore, it has been classified as a Variant of Uncertain Significance.